The following is an entry in ClinVar:

ClinVar aggregate classification (germline): Uncertain significance (1 of 4 stars; one submission).

Conditions:
Deficiency of UDPglucose-hexose-1-phosphate uridylyltransferase. Also called: Transferase Deficiency Galactosemia; GALACTOSE-1-PHOSPHATE URIDYLYLTRANSFERASE DEFICIENCY; GALACTOSEMIA I; GALT deficiency; Galactosemia, classic. Identifiers: Orphanet 352, Orphanet 79239, MedGen C0268151, MONDO:0009258, OMIM 230400.

Submission:

Labcorp Genetics (formerly Invitae), Labcorp
Classification: Uncertain significance for Deficiency of UDPglucose-hexose-1-phosphate uridylyltransferase. Last evaluated: 2022-07-19. Review status: criteria provided, single submitter. Criteria: Invitae Variant Classification Sherloc (09022015). Collection method: clinical testing. Allele origin: germline.
Comment: This sequence change replaces valine, which is neutral and non-polar, with leucine, which is neutral and non-polar, at codon 144 of the GALT protein (p.Val144Leu). This variant is not present in population databases (gnomAD no frequency). This variant has not been reported in the literature in individuals affected with GALT-related conditions. ClinVar contains an entry for this variant (Variation ID: 1437396). Advanced modeling of protein sequence and biophysical properties (such as structural, functional, and spatial information, amino acid conservation, physicochemical variation, residue mobility, and thermodynamic stability) performed at Invitae indicates that this missense variant is not expected to disrupt GALT protein function. In summary, the available evidence is currently insufficient to determine the role of this variant in disease. Therefore, it has been classified as a Variant of Uncertain Significance.

NM_000155.4(GALT):c.430G>C (p.Val144Leu)

Gene: GALT (galactose-1-phosphate uridylyltransferase; plus strand). Cytogenetic location: 9p13.3.
Variant type: single nucleotide variant.
Coding change: c.430G>C on transcript NM_000155.4 (MANE Select); coding-DNA position 430, G replaced by C.
Protein change: p.Val144Leu; replaces valine 144 with leucine.
Molecular consequence: missense variant.
Genome position (GRCh38, 1-based): chr9:34,647,884, G>C. VCF-style: chr9-34647884-G-C. GRCh37 (hg19) VCF-style: chr9-34647881-G-C.
Other names: c.103G>C, p.Val35Leu (NM_001258332.2); short protein forms V35L, V144L.
Identifiers: ClinVar variation 1437396 (VCV001437396.6), dbSNP rs2132343177, ClinGen allele CA373280781.